The following is an entry in ClinVar:

NM_000053.4(ATP7B):c.3798G>T (p.Gly1266=)

Gene: ATP7B (ATPase copper transporting beta; minus strand). Cytogenetic location: 13q14.3.
Variant type: single nucleotide variant.
Coding change: c.3798G>T on transcript NM_000053.4 (MANE Select); coding-DNA position 3798, G replaced by T.
Protein change: p.Gly1266=; no amino-acid change (glycine 1266 retained).
Molecular consequence: synonymous variant. On other transcripts: intron variant (1).
Genome position (GRCh38, 1-based): chr13:51,937,581, C>A on the plus strand (G>T on the coding strand, the complement: ATP7B is on the minus strand). VCF-style: chr13-51937581-C-A. GRCh37 (hg19) VCF-style: chr13-52511717-C-A.
Other names: c.3177G>T, p.Gly1059= (NM_001005918.3); c.3465G>T, p.Gly1155= (NM_001243182.2); c.3564G>T, p.Gly1188= (NM_001330578.2, NM_001406527.1, NM_001406528.1); c.3546G>T, p.Gly1182= (NM_001330579.2, NM_001406531.1, NM_001406532.1); c.3798G>T, p.Gly1266= (NM_001406511.1, NM_001406512.1); c.3792G>T, p.Gly1264= (NM_001406513.1); c.3765G>T, p.Gly1255= (NM_001406514.1); c.3744G>T, p.Gly1248= (NM_001406515.1, NM_001406516.1); and 22 more.
Identifiers: ClinVar variation 3764663 (VCV003764663.3).

ClinVar aggregate classification (germline): Uncertain significance. Review status: criteria provided, multiple submitters, no conflicts (2 of 4 stars). 2 submissions from 2 submitters: Uncertain significance (2). Last evaluated 2026-06-26.

Conditions:
Wilson disease (WND). Also called: Wilson's disease. Identifiers: Orphanet 905, MedGen C0019202, MONDO:0010200, OMIM 277900. Disease mechanism: loss of function.
ATP7B-related disorder. Also called: ATP7B-related condition.

gnomAD v4.1: 1 of 1,614,166 alleles (0.000062%); highest among the groups gnomAD compares: East Asian, 0.0022%; no homozygotes.

Submissions (2):

PreventionGenetics, part of Exact Sciences
Classification: Uncertain significance for ATP7B-related condition. Last evaluated: 2026-06-26. Review status: criteria provided, single submitter. Criteria: ACMG Guidelines, 2015. Collection method: clinical testing. Allele origin: germline.
Comment: The ATP7B c.3798G>T variant is not predicted to result in an amino acid change (p.=). This variant is predicted to alter splicing based on available splicing prediction programs (SpliceAI, Jaganathan et al. 2019. PubMed ID: 30661751). To our knowledge, this variant has not been reported in the literature or in a large population database (gnomAD), indicating this variant is rare. At this time, the clinical significance of this variant is uncertain due to the absence of conclusive functional and genetic evidence.

Juno Genomics, Hangzhou Juno Genomics, Inc
Classification: Uncertain significance for Wilson disease. Review status: criteria provided, single submitter. Criteria: ACMG Guidelines, 2015. Collection method: clinical testing. Allele origin: germline. Affected: yes.
Comment: Absent from controls (or at extremely low frequency if recessive) in Genome Aggregation Database, Exome Sequencing Project, 1000 Genomes Project, or Exome Aggregation Consortium.;Multiple lines of computational evidence support a deleterious effect on the gene or gene product (conservation, evolutionary, splicing impact, etc).;Patient's phenotype or family history is highly specific for a disease with a single genetic etiology.